The following is an entry in ClinVar:

NM_001099403.2(PRDM8):c.593G>A (p.Gly198Asp)

Gene: PRDM8 (PR/SET domain 8; plus strand). Cytogenetic location: 4q21.21.
Variant type: single nucleotide variant.
Coding change: c.593G>A on transcript NM_001099403.2 (MANE Select); coding-DNA position 593, G replaced by A.
Protein change: p.Gly198Asp; replaces glycine 198 with aspartic acid.
Molecular consequence: missense variant.
Genome position (GRCh38, 1-based): chr4:80,202,055, G>A. VCF-style: chr4-80202055-G-A. GRCh37 (hg19) VCF-style: chr4-81123209-G-A.
Other names: c.593G>A, p.Gly198Asp (NM_020226.4); short protein forms G198D.
Identifiers: ClinVar variation 1496765 (VCV001496765.8), dbSNP rs776620537, ClinGen allele CA357394452.

ClinVar aggregate classification (germline): Uncertain significance (1 of 4 stars; one submission).

Conditions:
Early-onset Lafora body disease. Also called: Epilepsy, progressive myoclonic, 10. Identifiers: Orphanet 324290, MedGen C4225258, MONDO:0014717, OMIM 616640.

gnomAD v4.1: 3 of 1,613,894 alleles (0.00019%); highest among the groups gnomAD compares: Middle Eastern, 0.016%; no homozygotes.

Submission:

Labcorp Genetics (formerly Invitae), Labcorp
Classification: Uncertain significance for Early-onset Lafora body disease. Last evaluated: 2022-07-12. Review status: criteria provided, single submitter. Criteria: Invitae Variant Classification Sherloc (09022015). Collection method: clinical testing. Allele origin: germline.
Comment: In summary, the available evidence is currently insufficient to determine the role of this variant in disease. Therefore, it has been classified as a Variant of Uncertain Significance. Algorithms developed to predict the effect of missense changes on protein structure and function are either unavailable or do not agree on the potential impact of this missense change (SIFT: "Deleterious"; PolyPhen-2: "Possibly Damaging"; Align-GVGD: "Class C0"). ClinVar contains an entry for this variant (Variation ID: 1496765). This variant has not been reported in the literature in individuals affected with PRDM8-related conditions. This variant is not present in population databases (gnomAD no frequency). This sequence change replaces glycine, which is neutral and non-polar, with aspartic acid, which is acidic and polar, at codon 198 of the PRDM8 protein (p.Gly198Asp).